The following is an entry in ClinVar:

NM_001102564.3(IFT43):c.19T>A (p.Leu7Met)

Gene: IFT43 (intraflagellar transport 43; plus strand). Cytogenetic location: 14q24.3.
Variant type: single nucleotide variant.
Coding change: c.19T>A on transcript NM_001102564.3 (MANE Select); coding-DNA position 19, T replaced by A.
Protein change: p.Leu7Met; replaces leucine 7 with methionine.
Molecular consequence: missense variant. On other transcripts: non-coding transcript variant (2).
Genome position (GRCh38, 1-based): chr14:75,985,805, T>A. VCF-style: chr14-75985805-T-A. GRCh37 (hg19) VCF-style: chr14-76452148-T-A.
Other names: c.19T>A, p.Leu7Met (NM_001255995.3, NM_052873.3); short protein forms L7M.
Identifiers: ClinVar variation 2121397 (VCV002121397.4), dbSNP rs1300978798, ClinGen allele CA390472822.

ClinVar aggregate classification (germline): Uncertain significance (1 of 4 stars; one submission).

gnomAD v4.1: 1 of 1,614,200 alleles (0.000062%); highest among the groups gnomAD compares: South Asian, 0.0011%; no homozygotes.

Submission:

Labcorp Genetics (formerly Invitae), Labcorp
Classification: Uncertain significance. Last evaluated: 2022-04-11. Review status: criteria provided, single submitter. Criteria: Invitae Variant Classification Sherloc (09022015). Collection method: clinical testing. Allele origin: germline.
Comment: Algorithms developed to predict the effect of missense changes on protein structure and function are either unavailable or do not agree on the potential impact of this missense change (SIFT: "Tolerated"; PolyPhen-2: "Not Available"; Align-GVGD: "Class C0"). This variant has not been reported in the literature in individuals affected with IFT43-related conditions. This variant is not present in population databases (gnomAD no frequency). This sequence change replaces leucine, which is neutral and non-polar, with methionine, which is neutral and non-polar, at codon 7 of the IFT43 protein (p.Leu7Met). In summary, the available evidence is currently insufficient to determine the role of this variant in disease. Therefore, it has been classified as a Variant of Uncertain Significance.